The following is an entry in ClinVar:

ClinVar aggregate classification (germline): Likely benign. Review status: criteria provided, multiple submitters, no conflicts (2 of 4 stars). 5 submissions from 5 submitters: Likely benign (5). Last evaluated 2025-09-24.

Conditions:
Hereditary cancer-predisposing syndrome. Also called: Tumor predisposition; Hereditary Cancer Syndrome; Neoplastic Syndromes, Hereditary; Hereditary neoplastic syndrome. Identifiers: Orphanet 140162, MedGen C0027672, MeSH D009386, MONDO:0015356.
Familial adenomatous polyposis 2. Also called: MYH-associated polyposis; FAP type 2; ADENOMAS, MULTIPLE COLORECTAL, AUTOSOMAL RECESSIVE; MUTYH Polyposis; MUTYH-associated polyposis; MUTYH-related attenuated familial adenomatous polyposis. Identifiers: Orphanet 220460, Orphanet 247798, MedGen C3272841, MONDO:0012041, OMIM 608456.

Allele frequency attached by ClinVar (database versions not stated): gnomAD exomes below 0.00001 and 0.00001; ExAC 0.00001; gnomAD 0.00001; TOPMed 0.00002.
gnomAD v4.1: 7 of 1,613,752 alleles (0.00043%); highest among the groups gnomAD compares: African/African-American, 0.0093%; no homozygotes.

Submissions (5):

Labcorp Genetics (formerly Invitae), Labcorp
Classification: Likely benign for Familial adenomatous polyposis 2. Last evaluated: 2025-09-24. Review status: criteria provided, single submitter. Criteria: Invitae Variant Classification Sherloc (09022015). Collection method: clinical testing. Allele origin: germline.

Quest Diagnostics Nichols Institute San Juan Capistrano
Classification: Likely benign. Last evaluated: 2024-12-17. Review status: criteria provided, single submitter. Criteria: Quest Diagnostics criteria. Collection method: clinical testing. Allele origin: unknown.

All of Us Research Program, National Institutes of Health
Classification: Likely benign for Familial adenomatous polyposis 2. Last evaluated: 2023-08-15. Review status: criteria provided, single submitter. Criteria: ACMG Guidelines, 2015. Collection method: clinical testing. Allele origin: germline. Inheritance: Autosomal recessive inheritance. Observed: 1 variant allele, 1 heterozygote.
Comment: This study involves interpretation of variants in research participants for the purpose of population health screening. Participant phenotype was not available at the time of variant classification. Additional details can be found in publication PMID: 35346344, PMCID: PMC8962531

Color Diagnostics, LLC DBA Color Health
Classification: Likely benign for Hereditary cancer-predisposing syndrome. Last evaluated: 2017-11-20. Review status: criteria provided, single submitter. Criteria: ACMG Guidelines, 2015. Collection method: clinical testing. Allele origin: germline.

Ambry Genetics
Classification: Likely benign for Hereditary cancer-predisposing syndrome. Last evaluated: 2015-02-25. Review status: criteria provided, single submitter. Criteria: Ambry Variant Classification Scheme 2023. Collection method: clinical testing. Allele origin: germline.

NM_001048174.2(MUTYH):c.1098C>T (p.Asn366=)

Gene: MUTYH (mutY DNA glycosylase; minus strand). Cytogenetic location: 1p34.1.
Variant type: single nucleotide variant.
Coding change: c.1098C>T on transcript NM_001048174.2 (MANE Select); coding-DNA position 1098, C replaced by T.
Protein change: p.Asn366=; no amino-acid change (asparagine 366 retained).
Molecular consequence: synonymous variant. On other transcripts: non-coding transcript variant (2).
Genome position (GRCh38, 1-based): chr1:45,331,665, G>A on the plus strand (C>T on the coding strand, the complement: MUTYH is on the minus strand). VCF-style: chr1-45331665-G-A. GRCh37 (hg19) VCF-style: chr1-45797337-G-A.
Other names: c.1098C>T, p.Asn366= (NM_001048171.2, NM_001048173.2, NM_001293195.2); c.1101C>T, p.Asn367= (NM_001048172.2); c.1182C>T, p.Asn394= (NM_001128425.2); c.1143C>T, p.Asn381= (NM_001293190.2); c.1131C>T, p.Asn377= (NM_001293191.2); c.822C>T, p.Asn274= (NM_001293192.2, NM_001293196.2); c.753C>T, p.Asn251= (NM_001350650.2, NM_001350651.2); c.1173C>T, p.Asn391= (NM_012222.3).
Identifiers: ClinVar variation 219604 (VCV000219604.20), dbSNP rs749902808, ClinGen allele CA055262.
Genomic context (GRCh38, chr1:45,331,665, plus strand): 5'-CCTCCATTCTCTCTTGTTACTCATGCCACTGCCCTCCACGCCCAGTATCCAGGTACCTGA[G>A]TTGGGCCTCTGCACCAGCAGAATTTGGGCCCCAAGGGCCCCAGGCTGTTCCAGAACACAG-3'
Protein context (NP_001041639.1, residues 356-376): GAQILLVQRP[Asn366=]SGLLAGLWEF